The following is an entry in ClinVar:

ClinVar aggregate classification (germline): Uncertain significance. Review status: criteria provided, multiple submitters, no conflicts (2 of 4 stars). 2 submissions from 2 submitters: Uncertain significance (2). Last evaluated 2025-03-11.

Conditions:
Cardiovascular phenotype. Identifiers: MedGen CN230736.

Allele frequency attached by ClinVar (database versions not stated): gnomAD exomes below 0.00001; TOPMed 0.00001; gnomAD 0.00001.
gnomAD v4.1: 4 of 1,601,952 alleles (0.00025%); highest among the groups gnomAD compares: Non-Finnish European, 0.00034%; no homozygotes.

Submissions (2):

Mayo Clinic Laboratories, Mayo Clinic
Classification: Uncertain significance. Last evaluated: 2025-03-11. Review status: criteria provided, single submitter. Criteria: ACMG Guidelines, 2015. Collection method: clinical testing. Allele origin: germline. Observed: 1 variant allele.
Comment: BP4, PM2_supporting

Ambry Genetics
Classification: Uncertain significance for Cardiovascular phenotype. Last evaluated: 2021-07-18. Review status: criteria provided, single submitter. Criteria: Ambry Variant Classification Scheme 2023. Collection method: clinical testing. Allele origin: germline.
Comment: The p.L335S variant (also known as c.1004T>C), located in coding exon 12 of the TECRL gene, results from a T to C substitution at nucleotide position 1004. The leucine at codon 335 is replaced by serine, an amino acid with dissimilar properties. This amino acid position is conserved. In addition, this alteration is predicted to be tolerated by in silico analysis. Since supporting evidence is limited at this time, the clinical significance of this alteration remains unclear.

NM_001010874.5(TECRL):c.1004T>C (p.Leu335Ser)

Gene: TECRL (trans-2,3-enoyl-CoA reductase like; minus strand). Cytogenetic location: 4q13.1.
Variant type: single nucleotide variant.
Coding change: c.1004T>C on transcript NM_001010874.5 (MANE Select); coding-DNA position 1004, T replaced by C.
Protein change: p.Leu335Ser; replaces leucine 335 with serine.
Molecular consequence: missense variant. On other transcripts: intron variant (1).
Genome position (GRCh38, 1-based): chr4:64,280,160, A>G on the plus strand (T>C on the coding strand, the complement: TECRL is on the minus strand). VCF-style: chr4-64280160-A-G. GRCh37 (hg19) VCF-style: chr4-65145878-A-G.
Other names: p.Leu335Ser; c.964+881T>C (NM_001363796.1); short protein forms L335S.
Identifiers: ClinVar variation 1779342 (VCV001779342.3), dbSNP rs1230408989, ClinGen allele CA357042827.